The following is an entry in ClinVar:

NM_007286.6(SYNPO):c.2354C>T (p.Pro785Leu)

Gene: SYNPO (synaptopodin; plus strand). Cytogenetic location: 5q33.1.
Variant type: single nucleotide variant.
Coding change: c.2354C>T on transcript NM_007286.6 (MANE Select); coding-DNA position 2354, C replaced by T.
Protein change: p.Pro785Leu; replaces proline 785 with leucine.
Molecular consequence: missense variant.
Genome position (GRCh38, 1-based): chr5:150,656,729, C>T. VCF-style: chr5-150656729-C-T. GRCh37 (hg19) VCF-style: chr5-150036291-C-T.
Other names: short protein forms P785L.
Identifiers: ClinVar variation 4591912 (VCV004591912.2).

ClinVar aggregate classification (germline): Uncertain significance. Review status: criteria provided, multiple submitters, no conflicts (2 of 4 stars). 2 submissions from 2 submitters: Uncertain significance (2). Last evaluated 2025-09-26.

gnomAD v4.1: 8 of 1,331,682 alleles (0.0006%); highest among the groups gnomAD compares: South Asian, 0.002%; no homozygotes.

Submissions (2):

Ambry Genetics
Classification: Uncertain significance. Last evaluated: 2025-09-26. Review status: criteria provided, single submitter. Criteria: Ambry Variant Classification Scheme 2023. Collection method: clinical testing. Allele origin: germline.

Labcorp Genetics (formerly Invitae), Labcorp
Classification: Uncertain significance. Last evaluated: 2025-02-16. Review status: criteria provided, single submitter. Criteria: Invitae Variant Classification Sherloc (09022015). Collection method: clinical testing. Allele origin: germline.
Comment: This sequence change replaces proline, which is neutral and non-polar, with leucine, which is neutral and non-polar, at codon 785 of the SYNPO protein (p.Pro785Leu). This variant is not present in population databases (gnomAD no frequency). This variant has not been reported in the literature in individuals affected with SYNPO-related conditions. An algorithm developed to predict the effect of missense changes on protein structure and function (PolyPhen-2) suggests that this variant is likely to be disruptive. In summary, the available evidence is currently insufficient to determine the role of this variant in disease. Therefore, it has been classified as a Variant of Uncertain Significance.